The following is an entry in ClinVar:

NM_015107.3(PHF8):c.2848G>A (p.Ala950Thr)

Gene: PHF8 (PHD finger protein 8; minus strand). Cytogenetic location: Xp11.22.
Variant type: single nucleotide variant.
Coding change: c.2848G>A on transcript NM_015107.3 (MANE Select); coding-DNA position 2848, G replaced by A.
Protein change: p.Ala950Thr; replaces alanine 950 with threonine.
Molecular consequence: missense variant.
Genome position (GRCh38, 1-based): chrX:53,940,318, C>T on the plus strand (G>A on the coding strand, the complement: PHF8 is on the minus strand). VCF-style: chrX-53940318-C-T. GRCh37 (hg19) VCF-style: chrX-53966751-C-T.
Other names: c.2956G>A, p.Ala986Thr (NM_001184896.1); c.2545G>A, p.Ala849Thr (NM_001184897.2); short protein forms A849T, A950T, A986T.
Identifiers: ClinVar variation 1313799 (VCV001313799.2), dbSNP rs782507813, ClinGen allele CA10423226.

ClinVar aggregate classification (germline): Uncertain significance (1 of 4 stars; one submission).

Allele frequency attached by ClinVar (database versions not stated): gnomAD exomes 0.00001 and 0.00002; ExAC 0.00007.

Submission:

GeneDx
Classification: Uncertain significance. Last evaluated: 2021-01-02. Review status: criteria provided, single submitter. Criteria: GeneDx Variant Classification Process June 2021. Collection method: clinical testing. Allele origin: germline. Affected: yes.
Comment: Has not been previously published as pathogenic or benign to our knowledge; In silico analysis supports that this missense variant does not alter protein structure/function